The following is an entry in ClinVar:

ClinVar aggregate classification (germline): Benign (1 of 4 stars; one submission).

Allele frequency attached by ClinVar (database versions not stated): TOPMed 0.04121; 1000 Genomes Project 0.05132; gnomAD 0.09290 and 0.09327.
gnomAD v4.1: 6,431 of 69,488 alleles (9.3%); highest among the groups gnomAD compares: Middle Eastern, 23%; 199 homozygotes.

Submission:

GeneDx
Classification: Benign. Last evaluated: 2018-06-18. Review status: criteria provided, single submitter. Criteria: GeneDx Variant Classification (06012015). Collection method: clinical testing. Allele origin: germline. Affected: yes.
Comment: This variant is considered likely benign or benign based on one or more of the following criteria: it is a conservative change, it occurs at a poorly conserved position in the protein, it is predicted to be benign by multiple in silico algorithms, and/or has population frequency not consistent with disease.

NM_001849.4(COL6A2):c.1332+293T>C

Gene: COL6A2 (collagen type VI alpha 2 chain; plus strand). Cytogenetic location: 21q22.3.
Variant type: single nucleotide variant.
Coding change: c.1332+293T>C on transcript NM_001849.4 (MANE Select); 293 bases into the intron after coding-DNA position 1332, T replaced by C.
Molecular consequence: intron variant.
Genome position (GRCh38, 1-based): chr21:46,120,143, T>C. VCF-style: chr21-46120143-T-C. GRCh37 (hg19) VCF-style: chr21-47540057-T-C.
Other names: c.1332+293T>C (NM_058175.3, NM_058174.3).
Identifiers: ClinVar variation 671691 (VCV000671691.1), dbSNP rs13047567, ClinGen allele CA321966358.